The following is an entry in ClinVar:

NM_013339.4(ALG6):c.168-2A>G

Gene: ALG6 (ALG6 alpha-1,3-glucosyltransferase; plus strand). Cytogenetic location: 1p31.3.
Variant type: single nucleotide variant.
Coding change: c.168-2A>G on transcript NM_013339.4 (MANE Select); the canonical splice acceptor site of the intron before coding-DNA position 168, A replaced by G.
Molecular consequence: splice acceptor variant.
Genome position (GRCh38, 1-based): chr1:63,402,252, A>G. VCF-style: chr1-63402252-A-G. GRCh37 (hg19) VCF-style: chr1-63867923-A-G.
Identifiers: ClinVar variation 3644213 (VCV003644213.2).

ClinVar aggregate classification (germline): Likely pathogenic (1 of 4 stars; one submission).

Conditions:
ALG6-congenital disorder of glycosylation 1C (CDG1C). Also called: CARBOHYDRATE-DEFICIENT GLYCOPROTEIN SYNDROME, TYPE I, WITH DEFICIENT GLYCOSYLATION OF DOLICHOL-LINKED OLIGOSACCHARIDE; CARBOHYDRATE-DEFICIENT GLYCOPROTEIN SYNDROME, TYPE V; Congenital disorder of glycosylation type 1C; Congenital disorder of glycosylation, type Ic; CDG Ic. Identifiers: Orphanet 79320, MedGen C2930997, MONDO:0011291, OMIM 603147.

gnomAD v4.1: 1 of 1,580,458 alleles (0.000063%); highest among the groups gnomAD compares: Admixed American, 0.0017%; no homozygotes.

Submission:

Labcorp Genetics (formerly Invitae), Labcorp
Classification: Likely pathogenic for ALG6-congenital disorder of glycosylation 1C. Last evaluated: 2024-03-02. Review status: criteria provided, single submitter. Criteria: Invitae Variant Classification Sherloc (09022015). Collection method: clinical testing. Allele origin: germline.
Comment: This sequence change affects an acceptor splice site in intron 3 of the ALG6 gene. It is expected to disrupt RNA splicing. Variants that disrupt the donor or acceptor splice site typically lead to a loss of protein function (PMID: 16199547), and loss-of-function variants in ALG6 are known to be pathogenic (PMID: 19862844). The frequency data for this variant in the population databases is considered unreliable, as metrics indicate poor data quality at this position in the gnomAD database. This variant has not been reported in the literature in individuals affected with ALG6-related conditions. Algorithms developed to predict the effect of sequence changes on RNA splicing suggest that this variant may disrupt the consensus splice site. In summary, the currently available evidence indicates that the variant is pathogenic, but additional data are needed to prove that conclusively. Therefore, this variant has been classified as Likely Pathogenic.

Literature cited by the submitters: PubMed 16199547; PubMed 19862844.